The following is an entry in ClinVar:

ClinVar aggregate classification (germline): Uncertain significance (1 of 4 stars; one submission).

Conditions:
Primary ciliary dyskinesia 6. Also called: Primary Ciliary Dyskinesia 6: TXNDC3-Related Primary Ciliary Dyskinesia. Identifiers: Orphanet 244, MedGen C1970506, MONDO:0012571, OMIM 610852.

gnomAD v4.1: 2 of 1,613,760 alleles (0.00012%); highest among the groups gnomAD compares: Non-Finnish European, 0.00017%; no homozygotes.

Submission:

Labcorp Genetics (formerly Invitae), Labcorp
Classification: Uncertain significance for Primary ciliary dyskinesia 6. Last evaluated: 2022-04-03. Review status: criteria provided, single submitter. Criteria: Invitae Variant Classification Sherloc (09022015). Collection method: clinical testing. Allele origin: germline.
Comment: In summary, the available evidence is currently insufficient to determine the role of this variant in disease. Therefore, it has been classified as a Variant of Uncertain Significance. Algorithms developed to predict the effect of missense changes on protein structure and function are either unavailable or do not agree on the potential impact of this missense change (SIFT: "Deleterious"; PolyPhen-2: "Probably Damaging"; Align-GVGD: "Class C0"). This variant has not been reported in the literature in individuals affected with NME8-related conditions. This variant is not present in population databases (gnomAD no frequency). This sequence change replaces proline, which is neutral and non-polar, with threonine, which is neutral and polar, at codon 541 of the NME8 protein (p.Pro541Thr).

NM_016616.5(NME8):c.1621C>A (p.Pro541Thr)

Gene: NME8 (NME/NM23 family member 8; plus strand). Cytogenetic location: 7p14.1.
Variant type: single nucleotide variant.
Coding change: c.1621C>A on transcript NM_016616.5 (MANE Select); coding-DNA position 1621, C replaced by A.
Protein change: p.Pro541Thr; replaces proline 541 with threonine.
Molecular consequence: missense variant.
Genome position (GRCh38, 1-based): chr7:37,896,946, C>A. VCF-style: chr7-37896946-C-A. GRCh37 (hg19) VCF-style: chr7-37936548-C-A.
Other names: short protein forms P541T.
Identifiers: ClinVar variation 2056975 (VCV002056975.4), dbSNP rs1224442590, ClinGen allele CA367217822.